The following is an entry in ClinVar:

NM_016239.4(MYO15A):c.837C>G (p.Tyr279Ter)

Gene: MYO15A (myosin XVA; plus strand). Cytogenetic location: 17p11.2.
Variant type: single nucleotide variant.
Coding change: c.837C>G on transcript NM_016239.4 (MANE Select); coding-DNA position 837, C replaced by G.
Protein change: p.Tyr279Ter; replaces tyrosine 279 with a stop codon.
Molecular consequence: nonsense.
Genome position (GRCh38, 1-based): chr17:18,119,637, C>G. VCF-style: chr17-18119637-C-G. GRCh37 (hg19) VCF-style: chr17-18022951-C-G.
Other names: short protein forms Y279*.
Identifiers: ClinVar variation 2077511 (VCV002077511.1), dbSNP rs2142241919, ClinGen allele CA398576098.

ClinVar aggregate classification (germline): Pathogenic (1 of 4 stars; one submission).

Submission:

Labcorp Genetics (formerly Invitae), Labcorp
Classification: Pathogenic. Last evaluated: 2022-09-13. Review status: criteria provided, single submitter. Criteria: Invitae Variant Classification Sherloc (09022015). Collection method: clinical testing. Allele origin: germline.
Comment: This sequence change creates a premature translational stop signal (p.Tyr279*) in the MYO15A gene. It is expected to result in an absent or disrupted protein product. Loss-of-function variants in MYO15A are known to be pathogenic (PMID: 17546645). This variant is not present in population databases (gnomAD no frequency). This variant has not been reported in the literature in individuals affected with MYO15A-related conditions. Algorithms developed to predict the effect of sequence changes on RNA splicing suggest that this variant may create or strengthen a splice site. For these reasons, this variant has been classified as Pathogenic.

Literature cited by the submitters: PubMed 17546645.